The following is an entry in ClinVar:

NM_138289.4(ACTRT1):c.1033T>A (p.Ser345Thr)

Gene: ACTRT1 (actin related protein T1; minus strand). Cytogenetic location: Xq25.
Variant type: single nucleotide variant.
Coding change: c.1033T>A on transcript NM_138289.4 (MANE Select); coding-DNA position 1033, T replaced by A.
Protein change: p.Ser345Thr; replaces serine 345 with threonine.
Molecular consequence: missense variant.
Genome position (GRCh38, 1-based): chrX:128,051,174, A>T on the plus strand (T>A on the coding strand, the complement: ACTRT1 is on the minus strand). VCF-style: chrX-128051174-A-T. GRCh37 (hg19) VCF-style: chrX-127185153-A-T.
Other names: short protein forms S345T.
Identifiers: ClinVar variation 720066 (VCV000720066.6), dbSNP rs61745544, ClinGen allele CA10511187.

ClinVar aggregate classification (germline): Benign. Review status: criteria provided, multiple submitters, no conflicts (2 of 4 stars). 3 submissions from 3 submitters: Benign (2). 1 of the submissions does not count toward it. Last evaluated 2018-03-30.

Conditions:
ACTRT1-related disorder. Also called: ACTRT1-related condition.

Allele frequency attached by ClinVar (database versions not stated): gnomAD exomes 0.00102 and 0.00299; ExAC 0.00383; 1000 Genomes Project 30x 0.00853; 1000 Genomes Project 0.00874; gnomAD 0.00992 and 0.01057; TOPMed 0.01225; ESP Exome Variant Server 0.01448.

Submissions (3):

Labcorp Genetics (formerly Invitae), Labcorp
Classification: Benign. Last evaluated: 2018-03-30. Review status: criteria provided, single submitter. Criteria: Invitae Variant Classification Sherloc (09022015). Collection method: clinical testing. Allele origin: germline.

Breakthrough Genomics
Classification: Benign. Review status: criteria provided, single submitter. Criteria: ACMG Guidelines, 2015. Collection method: not provided. Allele origin: germline. Inheritance: Unknown mechanism. Affected: yes.

PreventionGenetics, part of Exact Sciences
Classification: Benign for ACTRT1-related condition. Last evaluated: 2019-10-24. Review status: no assertion criteria provided. Collection method: clinical testing. Allele origin: germline. Not counted in ClinVar's aggregate classification.
Comment: This variant is classified as benign based on ACMG/AMP sequence variant interpretation guidelines (Richards et al. 2015 PMID: 25741868, with internal and published modifications).